The following is an entry in ClinVar:

ClinVar aggregate classification (germline): Uncertain significance (1 of 4 stars; one submission).

Conditions:
Combined oxidative phosphorylation defect type 17. Also called: Combined oxidative phosphorylation deficiency 17. Identifiers: Orphanet 369913, MedGen C3809526, MONDO:0014190, OMIM 615440.

Submission:

Labcorp Genetics (formerly Invitae), Labcorp
Classification: Uncertain significance for Combined oxidative phosphorylation defect type 17. Last evaluated: 2022-09-25. Review status: criteria provided, single submitter. Criteria: Invitae Variant Classification Sherloc (09022015). Collection method: clinical testing. Allele origin: germline.
Comment: This sequence change replaces isoleucine, which is neutral and non-polar, with methionine, which is neutral and non-polar, at codon 616 of the ELAC2 protein (p.Ile616Met). This variant is not present in population databases (gnomAD no frequency). This variant has not been reported in the literature in individuals affected with ELAC2-related conditions. Algorithms developed to predict the effect of missense changes on protein structure and function (SIFT, PolyPhen-2, Align-GVGD) all suggest that this variant is likely to be tolerated. In summary, the available evidence is currently insufficient to determine the role of this variant in disease. Therefore, it has been classified as a Variant of Uncertain Significance.

NM_018127.7(ELAC2):c.1848C>G (p.Ile616Met)

Gene: ELAC2 (elaC ribonuclease Z 2; minus strand). Cytogenetic location: 17p12.
Variant type: single nucleotide variant.
Coding change: c.1848C>G on transcript NM_018127.7 (MANE Select); coding-DNA position 1848, C replaced by G.
Protein change: p.Ile616Met; replaces isoleucine 616 with methionine.
Molecular consequence: missense variant.
Genome position (GRCh38, 1-based): chr17:12,995,023, G>C on the plus strand (C>G on the coding strand, the complement: ELAC2 is on the minus strand). VCF-style: chr17-12995023-G-C. GRCh37 (hg19) VCF-style: chr17-12898340-G-C.
Other names: c.1728C>G, p.Ile576Met (NM_001165962.2); c.1845C>G, p.Ile615Met (NM_173717.2); short protein forms I576M, I615M, I616M.
Identifiers: ClinVar variation 1720347 (VCV001720347.3), dbSNP rs767805042, ClinGen allele CA398223376.